The following is an entry in ClinVar:

NM_006231.4(POLE):c.1089C>T (p.Asn363=)

Gene: POLE (DNA polymerase epsilon, catalytic subunit; minus strand). Cytogenetic location: 12q24.33.
Variant type: single nucleotide variant.
Coding change: c.1089C>T on transcript NM_006231.4 (MANE Select); coding-DNA position 1089, C replaced by T.
Protein change: p.Asn363=; no amino-acid change (asparagine 363 retained).
Molecular consequence: synonymous variant.
Genome position (GRCh38, 1-based): chr12:132,675,752, G>A on the plus strand (C>T on the coding strand, the complement: POLE is on the minus strand). VCF-style: chr12-132675752-G-A. GRCh37 (hg19) VCF-style: chr12-133252338-G-A.
Identifiers: ClinVar variation 385321 (VCV000385321.23), dbSNP rs146639652, ClinGen allele CA6894092.

ClinVar aggregate classification (germline): Benign/Likely benign. Review status: criteria provided, multiple submitters, no conflicts (2 of 4 stars). 7 submissions from 7 submitters: Benign (1); Likely benign (6). Last evaluated 2026-01-25.

Conditions:
Colorectal cancer, susceptibility to, 12 (CRCS12). Also called: COLORECTAL CANCER, SUSCEPTIBILITY TO, ON CHROMOSOME 12q24. Identifiers: Orphanet 220460, MedGen C3554460, MONDO:0014038, OMIM 615083.
Hereditary cancer-predisposing syndrome. Also called: Hereditary Cancer Syndrome; Hereditary neoplastic syndrome; Neoplastic Syndromes, Hereditary; Tumor predisposition. Identifiers: Orphanet 140162, MedGen C0027672, MeSH D009386, MONDO:0015356.

Allele frequency attached by ClinVar (database versions not stated): ExAC 0.00001; gnomAD exomes 0.00001; gnomAD 0.00002; TOPMed 0.00003; ESP Exome Variant Server 0.00008.
gnomAD v4.1: 23 of 1,613,820 alleles (0.0014%); highest among the groups gnomAD compares: African/African-American, 0.004%; no homozygotes.

Submissions (7):

Labcorp Genetics (formerly Invitae), Labcorp
Classification: Likely benign. Last evaluated: 2026-01-25. Review status: criteria provided, single submitter. Criteria: Invitae Variant Classification Sherloc (09022015). Collection method: clinical testing. Allele origin: germline.

Center for Genomic Medicine, Rigshospitalet, Copenhagen University Hospital
Classification: Likely benign. Last evaluated: 2025-03-04. Review status: criteria provided, single submitter. Criteria: ACMG Guidelines, 2015. Collection method: clinical testing. Allele origin: germline.

Myriad Genetics, Inc.
Classification: Benign for Colorectal cancer, susceptibility to, 12. Last evaluated: 2025-02-10. Review status: criteria provided, single submitter. Criteria: Myriad Autosomal Dominant, Autosomal Recessive and X-Linked Classification Criteria (2023). Collection method: clinical testing. Allele origin: unknown.
Comment: This variant is considered benign. This variant is a silent/synonymous amino acid change and it is not expected to impact splicing.

Quest Diagnostics Nichols Institute San Juan Capistrano
Classification: Likely benign. Last evaluated: 2025-01-17. Review status: criteria provided, single submitter. Criteria: Quest Diagnostics criteria. Collection method: clinical testing. Allele origin: unknown.

GeneDx
Classification: Likely benign. Last evaluated: 2021-06-01. Review status: criteria provided, single submitter. Criteria: GeneDx Variant Classification Process June 2021. Collection method: clinical testing. Allele origin: germline. Affected: yes.

Sema4
Classification: Likely benign for Hereditary cancer-predisposing syndrome. Last evaluated: 2021-05-11. Review status: criteria provided, single submitter. Criteria: Sema4 Curation Guidelines. Collection method: curation. Allele origin: germline.

Ambry Genetics
Classification: Likely benign for Hereditary cancer-predisposing syndrome. Last evaluated: 2018-06-20. Review status: criteria provided, single submitter. Criteria: Ambry Variant Classification Scheme 2023. Collection method: clinical testing. Allele origin: germline.